The following is an entry in ClinVar:

ClinVar aggregate classification (germline): Uncertain significance. Review status: criteria provided, multiple submitters, no conflicts (2 of 4 stars). 4 submissions from 4 submitters: Uncertain significance (4). Last evaluated 2026-03-30.

Conditions:
Familial hypercholesterolemia. Also called: Familial hypercholesterolemias; Familial hypercholesterolaemia. Identifiers: MedGen C0020445, MONDO:0005439.
Hypercholesterolemia, autosomal dominant, 3 (FHCL3). Also called: Familial Hypercholesterolemia, Autosomal Dominant, 3; Familial hypercholesterolemia 3; PCSK9-Related Familial Hypercholesterolemia, Autosomal Dominant. Identifiers: MedGen C1863551, MONDO:0011369, OMIM 603776.
Cardiovascular phenotype. Identifiers: MedGen CN230736.

Allele frequency attached by ClinVar (database versions not stated): gnomAD exomes 0.00001; ExAC 0.00002; TOPMed 0.00002; gnomAD 0.00004 and 0.00007; 1000 Genomes Project 30x 0.00031; 1000 Genomes Project 0.00040.
gnomAD v4.1: 41 of 1,610,174 alleles (0.0025%); highest among the groups gnomAD compares: African/African-American, 0.031%; 2 homozygotes.

Submissions (4):

Women's Health and Genetics/Laboratory Corporation of America, LabCorp
Classification: Uncertain significance. Last evaluated: 2026-03-30. Review status: criteria provided, single submitter. Criteria: LabCorp Variant Classification Summary - May 2015. Collection method: clinical testing. Allele origin: germline.
Comment: Variant summary: PCSK9 c.829G>C (p.Val277Leu) results in a conservative amino acid change in the encoded protein sequence. Algorithms developed to predict the effect of missense changes on protein structure and function all suggest that this variant is likely to be tolerated. The variant allele was found at a frequency of 8.3e-06 in 242398 control chromosomes. The available data on variant occurrences in the general population are insufficient to allow any conclusion about variant significance. To our knowledge, no occurrence of c.829G>C in individuals affected with PCSK9-related conditions and no experimental evidence demonstrating its impact on protein function have been reported. ClinVar contains an entry for this variant (Variation ID: 630154). Based on the evidence outlined above, the variant was classified as uncertain significance.

All of Us Research Program, National Institutes of Health
Classification: Uncertain significance for Hypercholesterolemia, autosomal dominant, 3. Last evaluated: 2023-05-04. Review status: criteria provided, single submitter. Criteria: ACMG Guidelines, 2015. Collection method: clinical testing. Allele origin: germline. Inheritance: Autosomal dominant inheritance. Observed: 1 variant allele, 1 heterozygote.
Comment: This missense variant replaces valine with leucine at codon 277 of the PCSK9 protein. Computational prediction tools and conservation analyses suggest that this variant may not impact the protein function. Computational splicing tools suggest that this variant may not impact RNA splicing. To our knowledge, functional assays have not been performed for this variant nor has this variant been reported in individuals affected with familial hypercholesterolemia in the literature. This variant has been identified in 2/242398 chromosomes in the general population by the Genome Aggregation Database (gnomAD). Available evidence is insufficient to determine the role of this variant in disease conclusively. Therefore, this variant is classified as a Variant of Uncertain Significance.

This study involves interpretation of variants in research participants for the purpose of population health screening. Participant phenotype was not available at the time of variant classification. Additional details can be found in publication PMID: 35346344, PMCID: PMC8962531

Color Diagnostics, LLC DBA Color Health
Classification: Uncertain significance for Familial hypercholesterolemia. Last evaluated: 2023-04-05. Review status: criteria provided, single submitter. Criteria: ACMG Guidelines, 2015. Collection method: clinical testing. Allele origin: germline.
Comment: This missense variant replaces valine with leucine at codon 277 of the PCSK9 protein. Computational prediction suggests that this variant may not impact protein structure and function (internally defined REVEL score threshold <= 0.5, PMID: 27666373). To our knowledge, functional studies have not been reported for this variant. This variant has not been reported in individuals affected with PCSK9-related disorders in the literature. This variant has been identified in 2/242398 chromosomes in the general population by the Genome Aggregation Database (gnomAD). The available evidence is insufficient to determine the role of this variant in disease conclusively. Therefore, this variant is classified as a Variant of Uncertain Significance.

Ambry Genetics
Classification: Uncertain significance for Cardiovascular phenotype. Last evaluated: 2021-11-19. Review status: criteria provided, single submitter. Criteria: Ambry Variant Classification Scheme 2023. Collection method: clinical testing. Allele origin: germline.
Comment: The p.V277L variant (also known as c.829G>C), located in coding exon 6 of the PCSK9 gene, results from a G to C substitution at nucleotide position 829. The valine at codon 277 is replaced by leucine, an amino acid with highly similar properties. This amino acid position is conserved. In addition, this alteration is predicted to be tolerated by in silico analysis. Since supporting evidence is limited at this time, the clinical significance of this alteration remains unclear.

NM_174936.4(PCSK9):c.829G>C (p.Val277Leu)

Gene: PCSK9 (proprotein convertase subtilisin/kexin type 9; plus strand). Cytogenetic location: 1p32.3.
Variant type: single nucleotide variant.
Coding change: c.829G>C on transcript NM_174936.4 (MANE Select); coding-DNA position 829, G replaced by C.
Protein change: p.Val277Leu; replaces valine 277 with leucine.
Molecular consequence: missense variant.
Genome position (GRCh38, 1-based): chr1:55,056,022, G>C. VCF-style: chr1-55056022-G-C. GRCh37 (hg19) VCF-style: chr1-55521695-G-C.
Other names: c.952G>C, p.Val318Leu (NM_001407240.1); c.829G>C, p.Val277Leu (NM_001407241.1, NM_001407244.1, NM_001407247.1); c.832G>C, p.Val278Leu (NM_001407242.1); c.772G>C, p.Val258Leu (NM_001407243.1); c.637G>C, p.Val213Leu (NM_001407245.1); c.454G>C, p.Val152Leu (NM_001407246.1); short protein forms V277L, V152L, V213L, V278L, V318L, V258L.
Identifiers: ClinVar variation 630154 (VCV000630154.11), dbSNP rs562011178, ClinGen allele CA044790.
Genomic context (GRCh38, chr1:55,056,022, plus strand): 5'-CAAGGGGTGACCTTGGCTTTGTTCCTCCCAGGCCTGGAGTTTATTCGGAAAAGCCAGCTG[G>C]TCCAGCCTGTGGGGCCACTGGTGGTGCTGCTGCCCCTGGCGGGTGGGTACAGCCGCGTCC-3'
Protein context (NP_777596.2, residues 267-287): GLEFIRKSQL[Val277Leu]QPVGPLVVLL